The following is an entry in ClinVar:

NM_144643.4(SCLT1):c.1456T>C (p.Ser486Pro)

Gene: SCLT1 (sodium channel and clathrin linker 1; minus strand). Cytogenetic location: 4q28.2.
Variant type: single nucleotide variant.
Coding change: c.1456T>C on transcript NM_144643.4 (MANE Select); coding-DNA position 1456, T replaced by C.
Protein change: p.Ser486Pro; replaces serine 486 with proline.
Molecular consequence: missense variant. On other transcripts: intron variant (1).
Genome position (GRCh38, 1-based): chr4:128,943,172, A>G on the plus strand (T>C on the coding strand, the complement: SCLT1 is on the minus strand). VCF-style: chr4-128943172-A-G. GRCh37 (hg19) VCF-style: chr4-129864327-A-G.
Other names: c.1439+2835T>C (NM_001410807.1); c.1456T>C (NM_144643.3); short protein forms S486P.
Identifiers: ClinVar variation 4968626 (VCV004968626.2).

ClinVar aggregate classification (germline): Uncertain significance. Review status: criteria provided, multiple submitters, no conflicts (2 of 4 stars). 2 submissions from 2 submitters: Uncertain significance (2). Last evaluated 2024-11-02.

Conditions:
SCLT1-related disorder. Also called: SCLT1-related condition.

gnomAD v4.1: 9 of 1,607,846 alleles (0.00056%); highest among the groups gnomAD compares: African/African-American, 0.0094%; no homozygotes.

Submissions (2):

PreventionGenetics, part of Exact Sciences
Classification: Uncertain significance for SCLT1-related condition. Last evaluated: 2024-11-02. Review status: criteria provided, single submitter. Criteria: ACMG Guidelines, 2015. Collection method: clinical testing. Allele origin: germline.
Comment: The SCLT1 c.1456T>C variant is predicted to result in the amino acid substitution p.Ser486Pro. To our knowledge, this variant has not been reported in the literature. This variant is reported in 0.0062% of alleles in individuals of African descent in gnomAD. At this time, the clinical significance of this variant is uncertain due to the absence of conclusive functional and genetic evidence.

Blueprint Genetics
Classification: Uncertain significance. Last evaluated: 2021-09-17. Review status: criteria provided, single submitter. Criteria: ACMG Guidelines, 2015. Collection method: clinical testing. Allele origin: germline.